The following is an entry in ClinVar:

ClinVar aggregate classification (germline): Uncertain significance. Review status: criteria provided, multiple submitters, no conflicts (2 of 4 stars). 2 submissions from 2 submitters: Uncertain significance (2). Last evaluated 2024-01-30.

Allele frequency attached by ClinVar (database versions not stated): ExAC 0.00001; gnomAD exomes 0.00001.
gnomAD v4.1: 10 of 1,608,566 alleles (0.00062%); highest among the groups gnomAD compares: Non-Finnish European, 0.00085%; no homozygotes.

Submissions (2):

Labcorp Genetics (formerly Invitae), Labcorp
Classification: Uncertain significance. Last evaluated: 2024-01-30. Review status: criteria provided, single submitter. Criteria: Invitae Variant Classification Sherloc (09022015). Collection method: clinical testing. Allele origin: germline.
Comment: This sequence change replaces phenylalanine, which is neutral and non-polar, with leucine, which is neutral and non-polar, at codon 85 of the BUB1 protein (p.Phe85Leu). This variant is present in population databases (rs200941034, gnomAD 0.0009%). This variant has not been reported in the literature in individuals affected with BUB1-related conditions. ClinVar contains an entry for this variant (Variation ID: 1793101). Experimental studies and prediction algorithms are not available or were not evaluated, and the functional significance of this variant is currently unknown. In summary, the available evidence is currently insufficient to determine the role of this variant in disease. Therefore, it has been classified as a Variant of Uncertain Significance.

Ambry Genetics
Classification: Uncertain significance. Last evaluated: 2023-10-25. Review status: criteria provided, single submitter. Criteria: Ambry Variant Classification Scheme 2023. Collection method: clinical testing. Allele origin: germline.
Comment: The p.F85L variant (also known as c.255T>G), located in coding exon 4 of the BUB1 gene, results from a T to G substitution at nucleotide position 255. The phenylalanine at codon 85 is replaced by leucine, an amino acid with highly similar properties. This amino acid position is conserved. In addition, the in silico prediction for this alteration is inconclusive. Since supporting evidence is limited at this time, the clinical significance of this alteration remains unclear.

NM_004336.5(BUB1):c.255T>G (p.Phe85Leu)

Gene: BUB1 (BUB1 mitotic checkpoint serine/threonine kinase; minus strand). Cytogenetic location: 2q13.
Variant type: single nucleotide variant.
Coding change: c.255T>G on transcript NM_004336.5 (MANE Select); coding-DNA position 255, T replaced by G.
Protein change: p.Phe85Leu; replaces phenylalanine 85 with leucine.
Molecular consequence: missense variant.
Genome position (GRCh38, 1-based): chr2:110,672,828, A>C on the plus strand (T>G on the coding strand, the complement: BUB1 is on the minus strand). VCF-style: chr2-110672828-A-C. GRCh37 (hg19) VCF-style: chr2-111430405-A-C.
Other names: c.195T>G, p.Phe65Leu (NM_001278616.2); c.255T>G, p.Phe85Leu (NM_001278617.2); short protein forms F85L, F65L.
Identifiers: ClinVar variation 1793101 (VCV001793101.4), dbSNP rs200941034, ClinGen allele CA1828397.
Genomic context (GRCh38, chr2:110,672,828, plus strand): 5'-CCAGGCAATGTACAGAGGGGATGACAGGGTTCCAATCCCATGGTTGTACAGAAACTCAAA[A>C]AATTGATGGAGGTCACTGTTGTACTCAGCCTACACGAACCCAAAACAAAAAGACATAAGA-3'
Protein context (NP_004327.1, residues 75-95): FAEYNSDLHQ[Phe85Leu]FEFLYNHGIG